The following is an entry in ClinVar:

NM_001130438.3(SPTAN1):c.6937dup (p.Leu2313fs)

Gene: SPTAN1 (spectrin alpha, non-erythrocytic 1; plus strand). Cytogenetic location: 9q34.11.
Variant type: Duplication.
Coding change: c.6937dup on transcript NM_001130438.3 (MANE Select); coding-DNA position 6937, one base duplicated (C; older notation c.6937dupC).
Protein change: p.Leu2313fs; shifts the reading frame from leucine 2313.
Molecular consequence: frameshift variant.
Genome position (GRCh38, 1-based): chr9:128,632,301, C duplicated; the last of 2 consecutive C bases (chr9:128,632,300-128,632,301); duplicating either gives the same sequence. VCF-style (leftmost placement, unchanged base first): chr9-128632299-A-AC. GRCh37 (hg19) VCF-style: chr9-131394578-A-AC.
Other names: c.7024dup, p.Leu2342fs (NM_001375310.1); c.6937dup, p.Leu2313fs (NM_001375311.2); c.6973dup, p.Leu2325fs (NM_001375312.2); c.6919dup, p.Leu2307fs (NM_001375313.1); c.6877dup, p.Leu2293fs (NM_001375314.2, NM_001363765.2); c.6862dup, p.Leu2288fs (NM_001195532.2); c.7000dup, p.Leu2334fs (NM_001363759.2); c.7036dup, p.Leu2346fs (NM_001375318.1); and 1 more; short protein forms L2307fs, L2288fs, L2313fs, L2346fs, L2293fs, L2325fs, L2334fs, L2342fs.
Identifiers: ClinVar variation 2117994 (VCV002117994.4), dbSNP rs2542380807, ClinGen allele CA2580079755.

ClinVar aggregate classification (germline): Pathogenic (1 of 4 stars; one submission).

Conditions:
Early-infantile DEE. Also called: Early infantile epileptic encephalopathy; Ohtahara syndrome; Early infantile epileptic encephalopathy with suppression bursts. Identifiers: Orphanet 1934, MedGen C0393706, MONDO:0800491.

Submission:

Labcorp Genetics (formerly Invitae), Labcorp
Classification: Pathogenic for Early-infantile DEE. Last evaluated: 2022-08-12. Review status: criteria provided, single submitter. Criteria: Invitae Variant Classification Sherloc (09022015). Collection method: clinical testing. Allele origin: germline.
Comment: For these reasons, this variant has been classified as Pathogenic. This variant has not been reported in the literature in individuals affected with SPTAN1-related conditions. This variant is not present in population databases (gnomAD no frequency). This sequence change creates a premature translational stop signal (p.Leu2313Profs*15) in the SPTAN1 gene. It is expected to result in an absent or disrupted protein product. Loss-of-function variants in SPTAN1 are known to be pathogenic (PMID: 31332438, 33206935).

Literature cited by the submitters: PubMed 31332438; PubMed 33206935.